The following is an entry in ClinVar:

ClinVar aggregate classification (germline): Uncertain significance (1 of 4 stars; one submission).

Conditions:
MKKS-related disorder. Also called: MKKS-related condition; MKKS-related disorders.

Submission:

PreventionGenetics, part of Exact Sciences
Classification: Uncertain significance for MKKS-related condition. Last evaluated: 2026-01-13. Review status: criteria provided, single submitter. Criteria: ACMG Guidelines, 2015. Collection method: clinical testing. Allele origin: germline.
Comment: The MKKS c.346G>A variant is predicted to result in the amino acid substitution p.Val116Ile. To our knowledge, this variant has not been reported in the literature. This variant is reported in 0.00088% of alleles in individuals of European (Non-Finnish) descent in gnomAD. At this time, the clinical significance of this variant is uncertain due to the absence of conclusive functional and genetic evidence.

NM_170784.3(MKKS):c.346G>A (p.Val116Ile)

Gene: MKKS (MKKS centrosomal shuttling protein; minus strand). Cytogenetic location: 20p12.2.
Variant type: single nucleotide variant.
Coding change: c.346G>A on transcript NM_170784.3 (MANE Select); coding-DNA position 346, G replaced by A.
Protein change: p.Val116Ile; replaces valine 116 with isoleucine.
Molecular consequence: missense variant.
Genome position (GRCh38, 1-based): chr20:10,413,169, C>T on the plus strand (G>A on the coding strand, the complement: MKKS is on the minus strand). VCF-style: chr20-10413169-C-T. GRCh37 (hg19) VCF-style: chr20-10393817-C-T.
Other names: c.346G>A, p.Val116Ile (NM_018848.3); short protein forms V116I.
Identifiers: ClinVar variation 3349009 (VCV003349009.2).